The following is an entry in ClinVar:

ClinVar aggregate classification (germline): Benign/Likely benign. Review status: criteria provided, multiple submitters, no conflicts (2 of 4 stars). 3 submissions from 3 submitters: Benign (1); Likely benign (2). Last evaluated 2026-05-01.

Allele frequency attached by ClinVar (database versions not stated): 1000 Genomes Project 0.00200; 1000 Genomes Project 30x 0.00234; ESP Exome Variant Server 0.00369; gnomAD exomes 0.00374 and 0.00515; TOPMed 0.00390; ExAC 0.00391; gnomAD 0.00392 and 0.00400.
gnomAD v4.1: 8,065 of 1,613,832 alleles (0.5%); highest among the groups gnomAD compares: Non-Finnish European, 0.62%; 28 homozygotes.

Submissions (3):

CeGaT Center for Human Genetics Tuebingen
Classification: Likely benign. Last evaluated: 2026-05-01. Review status: criteria provided, single submitter. Criteria: CeGaT Center For Human Genetics Tuebingen Variant Classification Criteria Version 2. Collection method: clinical testing. Allele origin: germline. Affected: yes. Observed: 10 variant alleles.
Comment: ARSG: BP4, BP7, BS2

Labcorp Genetics (formerly Invitae), Labcorp
Classification: Benign. Last evaluated: 2026-01-27. Review status: criteria provided, single submitter. Criteria: Invitae Variant Classification Sherloc (09022015). Collection method: clinical testing. Allele origin: germline.

Breakthrough Genomics
Classification: Likely benign. Review status: criteria provided, single submitter. Criteria: ACMG Guidelines, 2015. Collection method: not provided. Allele origin: germline. Inheritance: Autosomal recessive inheritance. Affected: yes.

NM_001267727.2(ARSG):c.1071C>T (p.Val357=)

Gene: ARSG (arylsulfatase G; plus strand). Cytogenetic location: 17q24.2.
Variant type: single nucleotide variant.
Coding change: c.1071C>T on transcript NM_001267727.2 (MANE Select); coding-DNA position 1071, C replaced by T.
Protein change: p.Val357=; no amino-acid change (valine 357 retained).
Molecular consequence: synonymous variant.
Genome position (GRCh38, 1-based): chr17:68,385,152, C>T. VCF-style: chr17-68385152-C-T. GRCh37 (hg19) VCF-style: chr17-66381293-C-T.
Other names: c.1071C>T, p.Val357= (NM_001352899.2, NM_001352900.2, NM_001352901.2 and 3 more transcripts); c.1068C>T, p.Val356= (NM_001352903.2, NM_001352904.2, NM_001352905.2 and 2 more transcripts); c.1023C>T, p.Val341= (NM_001352909.2).
Identifiers: ClinVar variation 774235 (VCV000774235.45), dbSNP rs62085877, ClinGen allele CA8728457.